The following is an entry in ClinVar:

NM_005186.4(CAPN1):c.1700G>A (p.Arg567Gln)

Gene: CAPN1 (calpain 1; plus strand). Cytogenetic location: 11q13.1.
Variant type: single nucleotide variant.
Coding change: c.1700G>A on transcript NM_005186.4 (MANE Select); coding-DNA position 1700, G replaced by A.
Protein change: p.Arg567Gln; replaces arginine 567 with glutamine.
Molecular consequence: missense variant. On other transcripts: non-coding transcript variant (1).
Genome position (GRCh38, 1-based): chr11:65,208,233, G>A. VCF-style: chr11-65208233-G-A. GRCh37 (hg19) VCF-style: chr11-64975704-G-A.
Other names: c.1700G>A, p.Arg567Gln (NM_001198868.2, NM_001198869.2); c.1700G>A (NM_001198868.1); short protein forms R567Q.
Identifiers: ClinVar variation 1373141 (VCV001373141.7), dbSNP rs542565372, ClinGen allele CA6093514.

ClinVar aggregate classification (germline): Conflicting classifications of pathogenicity. Review status: criteria provided, conflicting classifications (1 of 4 stars). 2 submissions from 2 submitters: Uncertain significance (1); Likely benign (1). Last evaluated 2024-10-17.

Conditions:
Inborn genetic diseases. Identifiers: MedGen C0950123, MeSH D030342.

Allele frequency attached by ClinVar (database versions not stated): TOPMed 0.00001; gnomAD 0.00002 and 0.00008; gnomAD exomes 0.00017; ExAC 0.00031; 1000 Genomes Project 0.00040; 1000 Genomes Project 30x 0.00047.
gnomAD v4.1: 147 of 1,573,696 alleles (0.0093%); highest among the groups gnomAD compares: South Asian, 0.12%; 2 homozygotes.

Submissions (2):

Ambry Genetics
Classification: Likely benign for Inborn genetic diseases. Last evaluated: 2024-10-17. Review status: criteria provided, single submitter. Criteria: Ambry Variant Classification Scheme 2023. Collection method: clinical testing. Allele origin: germline.

Labcorp Genetics (formerly Invitae), Labcorp
Classification: Uncertain significance. Last evaluated: 2024-10-06. Review status: criteria provided, single submitter. Criteria: Invitae Variant Classification Sherloc (09022015). Collection method: clinical testing. Allele origin: germline.
Comment: This sequence change replaces arginine, which is basic and polar, with glutamine, which is neutral and polar, at codon 567 of the CAPN1 protein (p.Arg567Gln). This variant is present in population databases (rs542565372, gnomAD 0.1%). This variant has not been reported in the literature in individuals affected with CAPN1-related conditions. ClinVar contains an entry for this variant (Variation ID: 1373141). Invitae Evidence Modeling of protein sequence and biophysical properties (such as structural, functional, and spatial information, amino acid conservation, physicochemical variation, residue mobility, and thermodynamic stability) indicates that this missense variant is not expected to disrupt CAPN1 protein function with a negative predictive value of 80%. In summary, the available evidence is currently insufficient to determine the role of this variant in disease. Therefore, it has been classified as a Variant of Uncertain Significance.